The following is an entry in ClinVar:

ClinVar aggregate classification (germline): Likely benign (0 of 4 stars; one submission).

Conditions:
TEKT1-related disorder. Also called: TEKT1-related condition.

Allele frequency attached by ClinVar (database versions not stated): 1000 Genomes Project 30x 0.00047; 1000 Genomes Project 0.00060; TOPMed 0.00093; gnomAD 0.00117; ESP Exome Variant Server 0.00131; ExAC 0.00139; gnomAD exomes 0.00183.
gnomAD v4.1: 2,873 of 1,614,092 alleles (0.18%); highest among the groups gnomAD compares: Non-Finnish European, 0.21%; 4 homozygotes.

Submission:

PreventionGenetics, part of Exact Sciences
Classification: Likely benign for TEKT1-related condition. Last evaluated: 2022-08-02. Review status: no assertion criteria provided. Collection method: clinical testing. Allele origin: germline.
Comment: This variant is classified as likely benign based on ACMG/AMP sequence variant interpretation guidelines (Richards et al. 2015 PMID: 25741868, with internal and published modifications).

NM_053285.2(TEKT1):c.818A>G (p.Asp273Gly)

Gene: TEKT1 (tektin 1; minus strand). Cytogenetic location: 17p13.1.
Variant type: single nucleotide variant.
Coding change: c.818A>G on transcript NM_053285.2 (MANE Select); coding-DNA position 818, A replaced by G.
Protein change: p.Asp273Gly; replaces aspartic acid 273 with glycine.
Molecular consequence: missense variant.
Genome position (GRCh38, 1-based): chr17:6,812,865, T>C on the plus strand (A>G on the coding strand, the complement: TEKT1 is on the minus strand). VCF-style: chr17-6812865-T-C. GRCh37 (hg19) VCF-style: chr17-6716184-T-C.
Other names: short protein forms D273G.
Identifiers: ClinVar variation 3038118 (VCV003038118.2), dbSNP rs36080937, ClinGen allele CA8332815.